The following is an entry in ClinVar:

NM_003924.4(PHOX2B):c.633T>A (p.Asn211Lys)

Gene: PHOX2B (paired like homeobox 2B; minus strand). Cytogenetic location: 4p13.
Variant type: single nucleotide variant.
Coding change: c.633T>A on transcript NM_003924.4 (MANE Select); coding-DNA position 633, T replaced by A.
Protein change: p.Asn211Lys; replaces asparagine 211 with lysine.
Molecular consequence: missense variant.
Genome position (GRCh38, 1-based): chr4:41,746,119, A>T on the plus strand (T>A on the coding strand, the complement: PHOX2B is on the minus strand). VCF-style: chr4-41746119-A-T. GRCh37 (hg19) VCF-style: chr4-41748136-A-T.
Other names: short protein forms N211K.
Identifiers: ClinVar variation 4841580 (VCV004841580.1).

ClinVar aggregate classification (germline): Uncertain significance (1 of 4 stars; one submission).

Conditions:
Hereditary cancer-predisposing syndrome. Also called: Neoplastic Syndromes, Hereditary; Tumor predisposition; Hereditary Cancer Syndrome; Hereditary neoplastic syndrome. Identifiers: Orphanet 140162, MedGen C0027672, MeSH D009386, MONDO:0015356.

Submission:

Ambry Genetics
Classification: Uncertain significance for Hereditary cancer-predisposing syndrome. Last evaluated: 2025-12-21. Review status: criteria provided, single submitter. Criteria: Ambry Variant Classification Scheme 2023. Collection method: clinical testing. Allele origin: germline.
Comment: The p.N211K variant (also known as c.633T>A), located in coding exon 3 of the PHOX2B gene, results from a T to A substitution at nucleotide position 633. The asparagine at codon 211 is replaced by lysine, an amino acid with similar properties. This amino acid position is conserved. In addition, this alteration is predicted to be tolerated by in silico analysis. Based on the available evidence, the clinical significance of this variant remains unclear.